The following is an entry in ClinVar:

NM_005045.4(RELN):c.8884A>G (p.Met2962Val)

Genes: SLC26A5-AS1 (SLC26A5 antisense RNA 1; plus strand), RELN (reelin; minus strand). Cytogenetic location: 7q22.1.
Variant type: single nucleotide variant.
Coding change: c.8884A>G on transcript NM_005045.4 (MANE Select); coding-DNA position 8884, A replaced by G.
Protein change: p.Met2962Val; replaces methionine 2962 with valine.
Molecular consequence: missense variant.
Genome position (GRCh38, 1-based): chr7:103,497,886, T>C on the plus strand (A>G on the coding strand, the complement: RELN is on the minus strand). VCF-style: chr7-103497886-T-C. GRCh37 (hg19) VCF-style: chr7-103138333-T-C.
Other names: c.8884A>G, p.Met2962Val (NM_173054.3); short protein forms M2962V.
Identifiers: ClinVar variation 1051150 (VCV001051150.9), dbSNP rs772961648, ClinGen allele CA163910037.

ClinVar aggregate classification (germline): Uncertain significance (1 of 4 stars; one submission).

Conditions:
Norman-Roberts syndrome (LIS2). Also called: Lissencephaly 2 (Norman-Roberts type). Identifiers: Orphanet 89844, MedGen C0796089, MONDO:0009760, OMIM 257320.
Familial temporal lobe epilepsy 7. Identifiers: Orphanet 101046, MedGen C4225327, MONDO:0014639, OMIM 616436.

Allele frequency attached by ClinVar (database versions not stated): gnomAD exomes 0.00001.
gnomAD v4.1: 11 of 1,614,164 alleles (0.00068%); highest among the groups gnomAD compares: Admixed American, 0.0067%; no homozygotes.

Submission:

Labcorp Genetics (formerly Invitae), Labcorp
Classification: Uncertain significance for Familial temporal lobe epilepsy 7; Norman-Roberts syndrome. Last evaluated: 2024-03-03. Review status: criteria provided, single submitter. Criteria: Invitae Variant Classification Sherloc (09022015). Collection method: clinical testing. Allele origin: germline.
Comment: This sequence change replaces methionine, which is neutral and non-polar, with valine, which is neutral and non-polar, at codon 2962 of the RELN protein (p.Met2962Val). This variant is present in population databases (rs772961648, gnomAD 0.006%). This variant has not been reported in the literature in individuals affected with RELN-related conditions. ClinVar contains an entry for this variant (Variation ID: 1051150). Advanced modeling of protein sequence and biophysical properties (such as structural, functional, and spatial information, amino acid conservation, physicochemical variation, residue mobility, and thermodynamic stability) performed at Invitae indicates that this missense variant is not expected to disrupt RELN protein function with a negative predictive value of 80%. In summary, the available evidence is currently insufficient to determine the role of this variant in disease. Therefore, it has been classified as a Variant of Uncertain Significance.